The following is an entry in ClinVar:

NM_003466.4(PAX8):c.268_270del (p.Glu90del)

Genes: PAX8 (paired box 8; minus strand), PAX8-AS1 (PAX8 antisense RNA 1; plus strand). Cytogenetic location: 2q14.1.
Variant type: Deletion.
Coding change: c.268_270del on transcript NM_003466.4 (MANE Select); coding-DNA positions 268 to 270, 3 bases deleted (GAG; older notation c.268_270delGAG).
Protein change: p.Glu90del; deletes glutamic acid 90.
Genome position (GRCh38, 1-based): chr2:113,244,546-113,244,548, CTC deleted on the plus strand (GAG on the coding strand, the reverse complement: PAX8 is on the minus strand); deleting any 3 consecutive bases within chr2:113,244,546-113,244,549 gives the same sequence; the c. name uses the placement nearest the transcript's 3' end. VCF-style (leftmost placement, unchanged base first): chr2-113244545-TCTC-T. GRCh37 (hg19) VCF-style: chr2-114002122-TCTC-T.
Other names: c.268_270del, p.Glu90del (NM_013952.4, NM_013953.4, NM_013992.4); short protein forms E90del.
Identifiers: ClinVar variation 4812873 (VCV004812873.1).

ClinVar aggregate classification (germline): Likely pathogenic (1 of 4 stars; one submission).

Conditions:
Congenital hypothyroidism. Identifiers: Orphanet 442, MedGen C0010308, MONDO:0018612, HP:0000851.

Submission:

Cambridge Genomics Laboratory, East Genomic Laboratory Hub, NHS Genomic Medicine Service
Classification: Likely pathogenic for Congenital hypothyroidism. Last evaluated: 2024-01-31. Review status: criteria provided, single submitter. Criteria: ACGS Best Practice Guidelines for Variant Classification in Rare Disease 2020. Collection method: clinical testing. Allele origin: germline. Affected: yes.
Comment: The p.Glu90del variant is novel (not in any individuals) in gnomAD All. The p.Glu90del variant is novel (not in any individuals) in 1kG All. The p.Glu90del variant is novel (not in any individuals) in gnomAD Genomes v3 All. (PM2 - Moderate) | The p.Glu90del variant is not in a repeat region. The p.Glu90del variant results in a deletion of 3 bases that are predicted conserved by GERP++ and PhyloP. (PM4_Supporting - Supporting) | Functional studies demonstrate that this variant has a damaging effect on the gene or gene product (PS3_Moderate - Moderate)